The following is an entry in ClinVar:

NM_006663.4(PPP1R13L):c.520C>G (p.Pro174Ala)

Gene: PPP1R13L (protein phosphatase 1 regulatory subunit 13 like; minus strand). Cytogenetic location: 19q13.32.
Variant type: single nucleotide variant.
Coding change: c.520C>G on transcript NM_006663.4 (MANE Select); coding-DNA position 520, C replaced by G.
Protein change: p.Pro174Ala; replaces proline 174 with alanine.
Molecular consequence: missense variant.
Genome position (GRCh38, 1-based): chr19:45,396,737, G>C on the plus strand (C>G on the coding strand, the complement: PPP1R13L is on the minus strand). VCF-style: chr19-45396737-G-C. GRCh37 (hg19) VCF-style: chr19-45899995-G-C.
Other names: c.520C>G (NM_006663.3); c.520C>G, p.Pro174Ala (NM_001142502.2); short protein forms P174A.
Identifiers: ClinVar variation 2376424 (VCV002376424.5), dbSNP rs556681209, ClinGen allele CA9514642.

ClinVar aggregate classification (germline): Conflicting classifications of pathogenicity. Review status: criteria provided, conflicting classifications (1 of 4 stars). 3 submissions from 3 submitters: Uncertain significance (1); Likely benign (1). 1 of the submissions does not count toward it. Last evaluated 2026-03-27.

Conditions:
PPP1R13L-related disorder. Also called: PPP1R13L-related condition.
Inborn genetic diseases. Identifiers: MedGen C0950123, MeSH D030342.

Allele frequency attached by ClinVar (database versions not stated): 1000 Genomes Project 30x 0.00375; gnomAD exomes 0.00006; TOPMed 0.00113; ExAC 0.00032; gnomAD 0.00101; 1000 Genomes Project 0.00280.

Submissions (3):

Molecular Diagnostic Laboratory for Inherited Cardiovascular Disease, Montreal Heart Institute
Classification: Likely benign. Last evaluated: 2026-03-27. Review status: criteria provided, single submitter. Criteria: ACMG Guidelines, 2015. Collection method: clinical testing. Allele origin: germline. Affected: no.
Comment: BS1, BP4

Ambry Genetics
Classification: Uncertain significance for Inborn genetic diseases. Last evaluated: 2022-06-24. Review status: criteria provided, single submitter. Criteria: Ambry Variant Classification Scheme 2023. Collection method: clinical testing. Allele origin: germline.

PreventionGenetics, part of Exact Sciences
Classification: Likely benign for PPP1R13L-related condition. Last evaluated: 2024-04-18. Review status: no assertion criteria provided. Collection method: clinical testing. Allele origin: germline. Not counted in ClinVar's aggregate classification.
Comment: This variant is classified as likely benign based on ACMG/AMP sequence variant interpretation guidelines (Richards et al. 2015 PMID: 25741868, with internal and published modifications).